The following is an entry in ClinVar:

NM_000257.4(MYH7):c.17T>C (p.Met6Thr)

Gene: MYH7 (myosin heavy chain 7; minus strand). Cytogenetic location: 14q11.2.
Variant type: single nucleotide variant.
Coding change: c.17T>C on transcript NM_000257.4 (MANE Select); coding-DNA position 17, T replaced by C.
Protein change: p.Met6Thr; replaces methionine 6 with threonine.
Molecular consequence: missense variant.
Genome position (GRCh38, 1-based): chr14:23,433,716, A>G on the plus strand (T>C on the coding strand, the complement: MYH7 is on the minus strand). VCF-style: chr14-23433716-A-G. GRCh37 (hg19) VCF-style: chr14-23902925-A-G.
Other names: short protein forms M6T.
Identifiers: ClinVar variation 971190 (VCV000971190.16), dbSNP rs779276614, ClinGen allele CA029407.

ClinVar aggregate classification (germline): Uncertain significance. Review status: criteria provided, multiple submitters, no conflicts (2 of 4 stars). 6 submissions from 6 submitters: Uncertain significance (6). Last evaluated 2025-02-03.

Conditions:
Hypertrophic cardiomyopathy. Also called: HYPERTROPHIC MYOCARDIOPATHY. Identifiers: Orphanet 217569, MedGen C0007194, MeSH D002312, MONDO:0005045, HP:0001639.
Cardiomyopathy (CMYO). Also called: Cardiomyopathies. Identifiers: Orphanet 167848, MedGen C0878544, MONDO:0004994, HP:0001638. Inheritance: Various modes of inheritance.
Dilated cardiomyopathy 1S (CMD1S). Identifiers: Orphanet 154, Orphanet 54260, MedGen C1834481, MONDO:0013262, OMIM 613426.
Cardiovascular phenotype. Identifiers: MedGen CN230736.

Allele frequency attached by ClinVar (database versions not stated): ExAC 0.00002; gnomAD exomes 0.00002.
gnomAD v4.1: 17 of 1,614,074 alleles (0.0011%); highest among the groups gnomAD compares: South Asian, 0.0088%; no homozygotes.

Submissions (6):

Victorian Clinical Genetics Services, Murdoch Childrens Research Institute
Classification: Uncertain significance for Dilated cardiomyopathy 1S. Last evaluated: 2025-02-03. Review status: criteria provided, single submitter. Criteria: ACMG Guidelines, 2015. Collection method: clinical testing. Allele origin: germline. Affected: yes.
Comment: This variant is classified as VUS-3B. Evidence in support of pathogenic classification: Variant is present in gnomAD <0.01 (v4: 17 heterozygote(s), 0 homozygote(s)); Missense variant predicted to be damaging by in silico tool(s) or highly conserved with a major amino acid change. Additional information: Variant is predicted to result in a missense amino acid change from methionine to threonine; This variant is heterozygous; This gene is associated with both recessive and dominant disease. Disease associated with this gene usually has autosomal dominant inheritance; however, a recessive inheritance pattern has been observed in severe cases (OMIM); Alternative amino acid change(s) at the same position are present in gnomAD (Highest allele count: v4: 1 heterozygote(s), 0 homozygote(s)); Previous evidence of pathogenicity for this variant is inconclusive. This variant has been classified as a VUS by diagnostic laboratories in ClinVar; No published segregation evidence has been identified for this variant; No published functional evidence has been identified for this variant; No comparable missense variants have previous evidence for pathogenicity; Variant is not located in an established domain, motif, hotspot or informative constraint region; The mechanism of disease for this gene is not clearly established; however, missense variants have been proposed to act in a dominant negative manner (PMID: 24714796); The condition associated with this gene has incomplete penetrance (PMID: 29300372); Inheritance information for this variant is not currently available in this individual.

Labcorp Genetics (formerly Invitae), Labcorp
Classification: Uncertain significance for Hypertrophic cardiomyopathy. Last evaluated: 2024-08-24. Review status: criteria provided, single submitter. Criteria: Invitae Variant Classification Sherloc (09022015). Collection method: clinical testing. Allele origin: germline.
Comment: This sequence change replaces methionine, which is neutral and non-polar, with threonine, which is neutral and polar, at codon 6 of the MYH7 protein (p.Met6Thr). This variant is present in population databases (rs779276614, gnomAD 0.006%). This variant has not been reported in the literature in individuals affected with MYH7-related conditions. ClinVar contains an entry for this variant (Variation ID: 971190). Invitae Evidence Modeling of protein sequence and biophysical properties (such as structural, functional, and spatial information, amino acid conservation, physicochemical variation, residue mobility, and thermodynamic stability) indicates that this missense variant is expected to disrupt MYH7 protein function with a positive predictive value of 95%. In summary, the available evidence is currently insufficient to determine the role of this variant in disease. Therefore, it has been classified as a Variant of Uncertain Significance.

All of Us Research Program, National Institutes of Health
Classification: Uncertain significance for Cardiomyopathy. Last evaluated: 2024-07-29. Review status: criteria provided, single submitter. Criteria: ACMG Guidelines, 2015. Collection method: clinical testing. Allele origin: germline. Inheritance: Autosomal dominant inheritance. Observed: 3 variant alleles, 3 heterozygotes.
Comment: This missense variant replaces methionine with threonine at codon 6 of the MYH7 protein. Computational prediction tools indicate that this variant has a deleterious impact on protein structure and function. To our knowledge, functional studies have not been reported for this variant. This variant has not been reported in individuals affected with MYH7-related disorders in the literature. This variant has been identified in 4/251092 chromosomes in the general population by the Genome Aggregation Database (gnomAD). The available evidence is insufficient to determine the role of this variant in disease conclusively. Therefore, this variant is classified as a Variant of Uncertain Significance.

This study involves interpretation of variants in research participants for the purpose of population health screening. Participant phenotype was not available at the time of variant classification. Additional details can be found in publication PMID: 35346344, PMCID: PMC8962531

Color Diagnostics, LLC DBA Color Health
Classification: Uncertain significance for Cardiomyopathy. Last evaluated: 2024-02-22. Review status: criteria provided, single submitter. Criteria: ACMG Guidelines, 2015. Collection method: clinical testing. Allele origin: germline.
Comment: This missense variant replaces methionine with threonine at codon 6 of the MYH7 protein. Computational prediction tools indicate that this variant has a deleterious impact on protein structure and function. To our knowledge, functional studies have not been reported for this variant. This variant has not been reported in individuals affected with MYH7-related disorders in the literature. This variant has been identified in 4/251092 chromosomes in the general population by the Genome Aggregation Database (gnomAD). The available evidence is insufficient to determine the role of this variant in disease conclusively. Therefore, this variant is classified as a Variant of Uncertain Significance.

Ambry Genetics
Classification: Uncertain significance for Cardiovascular phenotype. Last evaluated: 2022-08-11. Review status: criteria provided, single submitter. Criteria: Ambry Variant Classification Scheme 2023. Collection method: clinical testing. Allele origin: germline.
Comment: The p.M6T variant (also known as c.17T>C), located in coding exon 1 of the MYH7 gene, results from a T to C substitution at nucleotide position 17. The methionine at codon 6 is replaced by threonine, an amino acid with similar properties. This amino acid position is well conserved in available vertebrate species. In addition, the in silico prediction for this alteration is inconclusive. Since supporting evidence is limited at this time, the clinical significance of this alteration remains unclear.

GeneDx
Classification: Uncertain significance. Last evaluated: 2021-06-04. Review status: criteria provided, single submitter. Criteria: GeneDx Variant Classification Process June 2021. Collection method: clinical testing. Allele origin: germline. Affected: yes.
Comment: Not observed at significant frequency in large population cohorts (Lek et al., 2016); In silico analysis supports that this missense variant has a deleterious effect on protein structure/function; Has not been previously published as pathogenic or benign to our knowledge; This variant is associated with the following publications: (PMID: 27387980, 27535533)

Literature cited by the submitters: PubMed 29300372 (cited by Victorian Clinical Genetics Services, Murdoch Childrens Research Institute); PubMed 24714796 (cited by Victorian Clinical Genetics Services, Murdoch Childrens Research Institute).